The following is an entry in ClinVar:

NM_002890.3(RASA1):c.1915T>A (p.Ser639Thr)

Genes: CCNH (cyclin H; minus strand), RASA1 (RAS p21 protein activator 1; plus strand). Cytogenetic location: 5q14.3.
Variant type: single nucleotide variant.
Coding change: c.1915T>A on transcript NM_002890.3 (MANE Select); coding-DNA position 1915, T replaced by A.
Protein change: p.Ser639Thr; replaces serine 639 with threonine.
Molecular consequence: missense variant. On other transcripts: intron variant (1).
Genome position (GRCh38, 1-based): chr5:87,374,301, T>A. VCF-style: chr5-87374301-T-A. GRCh37 (hg19) VCF-style: chr5-86670118-T-A.
Other names: c.1384T>A, p.Ser462Thr (NM_022650.3); c.933+20743A>T (NM_001364075.2); short protein forms S462T, S639T.
Identifiers: ClinVar variation 1371933 (VCV001371933.7), dbSNP rs2112485002, ClinGen allele CA360375245.
Genomic context (GRCh38, chr5:87,374,301, plus strand): 5'-TACCTGAATAGTGTCCAAGTAGCAAAAACTCATGCAAGGGAAGGGCAAAACCCAGTATGG[T>A]CAGAAGAGTTTGTCTTTGAGTAAGTCTTATTTTATCATTACATTAATCATTTTCTTTTAC-3'
Protein context (NP_002881.1, residues 629-649): HAREGQNPVW[Ser639Thr]EEFVFDDLPP

ClinVar aggregate classification (germline): Uncertain significance (1 of 4 stars; one submission).

Conditions:
Capillary malformation-arteriovenous malformation syndrome. Also called: Capillary malformation-arteriovenous malformation. Identifiers: Orphanet 137667, MedGen C1842180, MONDO:0012016.

Submission:

Labcorp Genetics (formerly Invitae), Labcorp
Classification: Uncertain significance for Capillary malformation-arteriovenous malformation syndrome. Last evaluated: 2022-07-19. Review status: criteria provided, single submitter. Criteria: Invitae Variant Classification Sherloc (09022015). Collection method: clinical testing. Allele origin: germline.
Comment: Algorithms developed to predict the effect of missense changes on protein structure and function (SIFT, PolyPhen-2, Align-GVGD) all suggest that this variant is likely to be tolerated. ClinVar contains an entry for this variant (Variation ID: 1371933). This variant has not been reported in the literature in individuals affected with RASA1-related conditions. This variant is not present in population databases (gnomAD no frequency). This sequence change replaces serine, which is neutral and polar, with threonine, which is neutral and polar, at codon 639 of the RASA1 protein (p.Ser639Thr). In summary, the available evidence is currently insufficient to determine the role of this variant in disease. Therefore, it has been classified as a Variant of Uncertain Significance.